The following is an entry in ClinVar:

ClinVar aggregate classification (germline): Benign/Likely benign. Review status: criteria provided, multiple submitters, no conflicts (2 of 4 stars). 23 submissions from 23 submitters: Benign (13); Likely benign (4). 6 of the submissions do not count toward it. Last evaluated 2026-10-01.

Conditions:
Auditory neuropathy, autosomal dominant 3 (AUNA3). Identifiers: MedGen C5676964, MONDO:0859235, OMIM 619832.
Arrhythmogenic right ventricular dysplasia 5. Also called: Arrhythmogenic Right Ventricular Dysplasia/Cardiomyopathy 5; ARRHYTHMOGENIC RIGHT VENTRICULAR DYSPLASIA, FAMILIAL, 5. Identifiers: MedGen C1858379, MONDO:0011459, OMIM 604400.
Emery-Dreifuss muscular dystrophy 7, autosomal dominant (EDMD7). Also called: Emery-Dreifuss muscular dystrophy 7, AD. Identifiers: Orphanet 261, MedGen C3553060, MONDO:0013677, OMIM 614302.
Cardiovascular phenotype. Identifiers: MedGen CN230736.
Cardiomyopathy (CMYO). Also called: Cardiomyopathies. Identifiers: Orphanet 167848, MedGen C0878544, MONDO:0004994, HP:0001638. Inheritance: Various modes of inheritance.

Allele frequency attached by ClinVar (database versions not stated): 1000 Genomes Project 0.00379; ExAC 0.00905; gnomAD exomes 0.00969; gnomAD 0.01016 and 0.01077; TOPMed 0.00776; ESP Exome Variant Server 0.00984; 1000 Genomes Project 30x 0.00437.
gnomAD v4.1: 20,235 of 1,614,114 alleles (1.3%); highest among the groups gnomAD compares: Non-Finnish European, 1.4%; 190 homozygotes.

Submissions (23):

CeGaT Center for Human Genetics Tuebingen
Classification: Benign. Last evaluated: 2026-10-01. Review status: criteria provided, single submitter. Criteria: CeGaT Center For Human Genetics Tuebingen Variant Classification Criteria Version 2. Collection method: clinical testing. Allele origin: germline. Affected: yes. Observed: 61 variant alleles.
Comment: TMEM43: BS1, BS2

Labcorp Genetics (formerly Invitae), Labcorp
Classification: Benign for Arrhythmogenic right ventricular dysplasia 5. Last evaluated: 2026-02-03. Review status: criteria provided, single submitter. Criteria: Invitae Variant Classification Sherloc (09022015). Collection method: clinical testing. Allele origin: germline.

Molecular Diagnostic Laboratory for Inherited Cardiovascular Disease, Montreal Heart Institute
Classification: Likely benign. Last evaluated: 2025-04-08. Review status: criteria provided, single submitter. Criteria: ACMG Guidelines, 2015. Collection method: clinical testing. Allele origin: germline. Affected: no.

Blueprint Genetics
Classification: Likely benign. Last evaluated: 2024-11-26. Review status: criteria provided, single submitter. Criteria: ACMG Guidelines, 2015. Collection method: clinical testing. Allele origin: germline.

Mayo Clinic Laboratories, Mayo Clinic
Classification: Benign. Last evaluated: 2024-04-30. Review status: criteria provided, single submitter. Criteria: ACMG Guidelines, 2015. Collection method: clinical testing. Allele origin: germline. Observed: 45 variant alleles.
Comment: BS1, BS2

Athena Diagnostics
Classification: Benign. Last evaluated: 2023-12-18. Review status: criteria provided, single submitter. Criteria: Athena Diagnostics Criteria. Collection method: clinical testing. Allele origin: unknown.

ARUP Laboratories, Molecular Genetics and Genomics, ARUP Laboratories
Classification: Benign. Last evaluated: 2023-10-03. Review status: criteria provided, single submitter. Criteria: ARUP Molecular Germline Variant Investigation Process 2024. Collection method: clinical testing. Allele origin: germline.

Fulgent Genetics
Classification: Benign for Arrhythmogenic right ventricular dysplasia 5; Emery-Dreifuss muscular dystrophy 7, autosomal dominant; Auditory neuropathy, autosomal dominant 3. Last evaluated: 2021-07-20. Review status: criteria provided, single submitter. Criteria: ACMG Guidelines, 2015. Collection method: clinical testing. Allele origin: unknown.

GeneDx
Classification: Benign. Last evaluated: 2018-12-13. Review status: criteria provided, single submitter. Criteria: GeneDx Variant Classification Process June 2021. Collection method: clinical testing. Allele origin: germline. Affected: yes.
Comment: This variant is associated with the following publications: (PMID: 23812740, 25333069, 23161701, 27153395, 26332594, 31402444, 32880476)

Color Diagnostics, LLC DBA Color Health
Classification: Benign for Cardiomyopathy. Last evaluated: 2018-03-15. Review status: criteria provided, single submitter. Criteria: ACMG Guidelines, 2015. Collection method: clinical testing. Allele origin: germline.

Genetic Services Laboratory, University of Chicago
Classification: Benign. Last evaluated: 2017-11-03. Review status: criteria provided, single submitter. Criteria: ACMG Guidelines, 2015. Collection method: clinical testing. Allele origin: germline. Affected: no.

CHEO Genetics Diagnostic Laboratory, Children's Hospital of Eastern Ontario
Classification: Likely benign for Cardiomyopathy. Last evaluated: 2017-08-17. Review status: criteria provided, single submitter. Criteria: ACMG Guidelines, 2015. Collection method: clinical testing. Allele origin: germline. Study: Canadian Open Genetics Repository.

Ambry Genetics
Classification: Benign for Cardiovascular phenotype. Last evaluated: 2015-04-06. Review status: criteria provided, single submitter. Criteria: Ambry Variant Classification Scheme 2023. Collection method: clinical testing. Allele origin: germline.

Biesecker Lab/Clinical Genomics Section, National Institutes of Health
Classification: Benign. Last evaluated: 2013-06-24. Review status: criteria provided, single submitter. Criteria: Ng et al. (Circ Cardiovasc Genet. 2013). Collection method: research. Allele origin: unknown. Observed: 21 variant alleles. Study: ClinSeq.
Comment: The study set was not selected for affection status in relation to any cancer. Pathogenicity categories were based on literature curation. See Pubmed ID:23861362 for details.

Medical sequencing

Laboratory for Molecular Medicine, Mass General Brigham Personalized Medicine
Classification: Benign. Last evaluated: 2012-04-17. Review status: criteria provided, single submitter. Criteria: LMM Criteria. Collection method: clinical testing. Allele origin: germline. Observed: 34 variant alleles.
Comment: Arg312Trp in Exon 11 of TMEM43: This variant is not expected to have clinical si gnificance because it has been identified in 1.3% (93/7020) of European American chromosomes from a broad population by the NHLBI Exome Sequencing Project (dbSNP rs113449357).

Breakthrough Genomics
Classification: Likely benign. Review status: criteria provided, single submitter. Criteria: ACMG Guidelines, 2015. Collection method: not provided. Allele origin: germline. Inheritance: Autosomal dominant inheritance. Affected: yes.

PreventionGenetics, part of Exact Sciences
Classification: Benign. Review status: criteria provided, single submitter. Criteria: ACMG Guidelines, 2015. Collection method: clinical testing. Allele origin: germline.

Women's Health and Genetics/Laboratory Corporation of America, LabCorp
Classification: Benign for Cardiomyopathy. Last evaluated: 2015-04-09. Review status: no assertion criteria provided. Collection method: clinical testing. Allele origin: germline. Not counted in ClinVar's aggregate classification.

Clinical Genetics DNA and cytogenetics Diagnostics Lab, Erasmus MC, Erasmus Medical Center
Classification: Benign. Review status: no assertion criteria provided. Collection method: clinical testing. Allele origin: germline. Affected: yes. Study: VKGL Data-share Consensus. Not counted in ClinVar's aggregate classification.

Clinical Genetics, Academic Medical Center
Classification: Benign. Review status: no assertion criteria provided. Collection method: clinical testing. Allele origin: germline. Affected: yes. Study: VKGL Data-share Consensus. Not counted in ClinVar's aggregate classification.

Diagnostic Laboratory, Department of Genetics, University Medical Center Groningen
Classification: Likely benign. Review status: no assertion criteria provided. Collection method: clinical testing. Allele origin: germline. Affected: yes. Study: VKGL Data-share Consensus. Not counted in ClinVar's aggregate classification.

Genome Diagnostics Laboratory, University Medical Center Utrecht
Classification: Likely benign. Review status: no assertion criteria provided. Collection method: clinical testing. Allele origin: germline. Affected: yes. Study: VKGL Data-share Consensus. Not counted in ClinVar's aggregate classification.

Joint Genome Diagnostic Labs from Nijmegen and Maastricht, Radboudumc and MUMC+
Classification: Likely benign. Review status: no assertion criteria provided. Collection method: clinical testing. Allele origin: germline. Affected: yes. Study: VKGL Data-share Consensus. Not counted in ClinVar's aggregate classification.

Literature cited by the submitters: PubMed 23161701 (cited by Mayo Clinic Laboratories, Mayo Clinic and Athena Diagnostics); PubMed 25333069 (cited by Mayo Clinic Laboratories, Mayo Clinic and Athena Diagnostics); PubMed 26332594 (cited by Mayo Clinic Laboratories, Mayo Clinic); PubMed 27153395 (cited by Mayo Clinic Laboratories, Mayo Clinic); PubMed 37937776 (cited by Mayo Clinic Laboratories, Mayo Clinic); PubMed 27301361 (cited by Athena Diagnostics); PubMed 23861362 (cited by Athena Diagnostics); PubMed 21214875 (cited by Athena Diagnostics); PubMed 23812740 (cited by Athena Diagnostics).

NM_024334.3(TMEM43):c.934C>T (p.Arg312Trp)

Gene: TMEM43 (transmembrane protein 43; plus strand). Cytogenetic location: 3p25.1.
Variant type: single nucleotide variant.
Coding change: c.934C>T on transcript NM_024334.3 (MANE Select); coding-DNA position 934, C replaced by T.
Protein change: p.Arg312Trp; replaces arginine 312 with tryptophan.
Molecular consequence: missense variant.
Genome position (GRCh38, 1-based): chr3:14,139,231, C>T. VCF-style: chr3-14139231-C-T. GRCh37 (hg19) VCF-style: chr3-14180731-C-T.
Other names: p.R312W:CGG>TGG; short protein forms R312W.
Identifiers: ClinVar variation 36873 (VCV000036873.82), dbSNP rs113449357, ClinGen allele CA024800.